The following is an entry in ClinVar:

NM_001114753.3(ENG):c.1609T>C (p.Tyr537His)

Genes: ENG (endoglin; minus strand), LOC102723566 (uncharacterized LOC102723566; plus strand). Cytogenetic location: 9q34.11.
Variant type: single nucleotide variant.
Coding change: c.1609T>C on transcript NM_001114753.3 (MANE Select); coding-DNA position 1609, T replaced by C.
Protein change: p.Tyr537His; replaces tyrosine 537 with histidine.
Molecular consequence: missense variant.
Genome position (GRCh38, 1-based): chr9:127,818,197, A>G on the plus strand (T>C on the coding strand, the complement: ENG is on the minus strand). VCF-style: chr9-127818197-A-G. GRCh37 (hg19) VCF-style: chr9-130580476-A-G.
Other names: c.1609T>C, p.Tyr537His (NM_000118.4); c.1063T>C, p.Tyr355His (NM_001278138.2); short protein forms Y355H, Y537H.
Identifiers: ClinVar variation 4614087 (VCV004614087.1).

ClinVar aggregate classification (germline): Uncertain significance (1 of 4 stars; one submission).

Conditions:
Cardiovascular phenotype. Identifiers: MedGen CN230736.

gnomAD v4.1: 3 of 1,614,086 alleles (0.00019%); highest among the groups gnomAD compares: African/African-American, 0.004%; no homozygotes.

Submission:

Ambry Genetics
Classification: Uncertain significance for Cardiovascular phenotype. Last evaluated: 2025-12-12. Review status: criteria provided, single submitter. Criteria: Ambry Variant Classification Scheme 2023. Collection method: clinical testing. Allele origin: germline.
Comment: The p.Y537H variant (also known as c.1609T>C), located in coding exon 12 of the ENG gene, results from a T to C substitution at nucleotide position 1609. The tyrosine at codon 537 is replaced by histidine, an amino acid with similar properties. This amino acid position is conserved. In addition, this alteration is predicted to be tolerated by in silico analysis. Based on the available evidence, the clinical significance of this variant remains unclear.